The following is an entry in ClinVar:

ClinVar aggregate classification (germline): Uncertain significance (1 of 4 stars; one submission).

Submission:

Dasa
Classification: Uncertain significance. Last evaluated: 2026-06-25. Review status: criteria provided, single submitter. Criteria: DASA Assertion Criteria. Collection method: clinical testing. Allele origin: germline.
Comment: NM_000937.5(POLR2A):c.3400C>T (p.Pro1134Ser) is a missense variant that results in the substitution of proline with serine. This variant is rare in population databases. Computational prediction algorithms are consistent with a benign effect. The currently available literature and clinical evidence are not sufficient to establish a definitive association between this variant and the reported condition. Therefore, this variant is classified as a variant of uncertain significance.

NM_000937.5(POLR2A):c.3400C>T (p.Pro1134Ser)

Gene: POLR2A (RNA polymerase II subunit A; plus strand). Cytogenetic location: 17p13.1.
Variant type: single nucleotide variant.
Coding change: c.3400C>T on transcript NM_000937.5 (MANE Select); coding-DNA position 3400, C replaced by T.
Protein change: p.Pro1134Ser; replaces proline 1134 with serine.
Molecular consequence: missense variant.
Genome position (GRCh38, 1-based): chr17:7,508,410, C>T. VCF-style: chr17-7508410-C-T. GRCh37 (hg19) VCF-style: chr17-7411729-C-T.
Other names: short protein forms P1134S.
Identifiers: ClinVar variation 5020304 (VCV005020304.1).
Genomic context (GRCh38, chr17:7,508,410, plus strand): 5'-GCCAAGAATGTGACGCTGGGTGTGCCCCGACTTAAGGAGCTCATCAACATTTCCAAGAAG[C>T]CAAAGACTCCTTCGCTTACTGTCTTCCTGTTGGGCCAGTCCGCTCGAGATGCTGAGAGAG-3'
Protein context (NP_000928.1, residues 1124-1144): LKELINISKK[Pro1134Ser]KTPSLTVFLL